The following is an entry in ClinVar:

ClinVar aggregate classification (germline): Uncertain significance (1 of 4 stars; one submission).

Allele frequency attached by ClinVar (database versions not stated): ExAC 0.00003; gnomAD exomes 0.00003; ESP Exome Variant Server 0.00008; TOPMed 0.00014; gnomAD 0.00017; 1000 Genomes Project 0.00020; 1000 Genomes Project 30x 0.00031.

Submission:

Labcorp Genetics (formerly Invitae), Labcorp
Classification: Uncertain significance. Last evaluated: 2026-01-19. Review status: criteria provided, single submitter. Criteria: Invitae Variant Classification Sherloc (09022015). Collection method: clinical testing. Allele origin: germline.
Comment: This sequence change replaces arginine, which is basic and polar, with histidine, which is basic and polar, at codon 656 of the ARHGEF10 protein (p.Arg656His). This variant is present in population databases (rs184791801, gnomAD 0.04%). This variant has not been reported in the literature in individuals affected with ARHGEF10-related conditions. ClinVar contains an entry for this variant (Variation ID: 1423196). An algorithm developed to predict the effect of missense changes on protein structure and function (PolyPhen-2) suggests that this variant is likely to be disruptive. In summary, the available evidence is currently insufficient to determine the role of this variant in disease. Therefore, it has been classified as a Variant of Uncertain Significance.

NM_014629.4(ARHGEF10):c.1967G>A (p.Arg656His)

Gene: ARHGEF10 (Rho guanine nucleotide exchange factor 10; plus strand). Cytogenetic location: 8p23.3.
Variant type: single nucleotide variant.
Coding change: c.1967G>A on transcript NM_014629.4 (MANE Select); coding-DNA position 1967, G replaced by A.
Protein change: p.Arg656His; replaces arginine 656 with histidine.
Molecular consequence: missense variant.
Genome position (GRCh38, 1-based): chr8:1,905,716, G>A. VCF-style: chr8-1905716-G-A. GRCh37 (hg19) VCF-style: chr8-1853882-G-A.
Other names: c.1853G>A, p.Arg618His (NM_001308152.2); c.1967G>A, p.Arg656His (NM_001308153.3); short protein forms R680H, R618H, R656H.
Identifiers: ClinVar variation 1423196 (VCV001423196.8), dbSNP rs184791801, ClinGen allele CA4600641.